The following is an entry in ClinVar:

NM_175914.4(HNF4A):c.-278G>A

Gene: HNF4A (hepatocyte nuclear factor 4 alpha; plus strand). Cytogenetic location: 20q13.12.
Variant type: single nucleotide variant.
Coding change: c.-278G>A on transcript NM_175914.4; 278 bases upstream of the start codon, G replaced by A.
Genome position (GRCh38, 1-based): chr20:44,355,527, G>A. VCF-style: chr20-44355527-G-A. GRCh37 (hg19) VCF-style: chr20-42984167-G-A.
Identifiers: ClinVar variation 435432 (VCV000435432.12), dbSNP rs112444447, ClinGen allele CA315390469.

ClinVar aggregate classification (germline): Benign/Likely benign. Review status: criteria provided, multiple submitters, no conflicts (2 of 4 stars). 3 submissions from 3 submitters: Benign (1); Likely benign (2). Last evaluated 2019-09-19.

Conditions:
Maturity-onset diabetes of the young (MODY). Also called: Maturity onset diabetes mellitus in young. Identifiers: Orphanet 552, MedGen C0342276, MONDO:0018911, HP:0004904.

Allele frequency attached by ClinVar (database versions not stated): gnomAD 0.00417 and 0.00396; 1000 Genomes Project 0.00499; 1000 Genomes Project 30x 0.00547; TOPMed 0.00434.

Submissions (3):

Genetic Services Laboratory, University of Chicago
Classification: Benign. Last evaluated: 2019-09-19. Review status: criteria provided, single submitter. Criteria: ACMG Guidelines, 2015. Collection method: clinical testing. Allele origin: germline. Affected: no.

GeneDx
Classification: Likely benign. Last evaluated: 2018-09-04. Review status: criteria provided, single submitter. Criteria: GeneDx Variant Classification Process June 2021. Collection method: clinical testing. Allele origin: germline. Affected: yes.

Clinical Genomics, Uppaluri K&H Personalized Medicine Clinic
Classification: Likely benign for Maturity-onset diabetes of the young. Review status: criteria provided, single submitter. Criteria: K & H Uppaluri Personalized Medicine Clinic Variant Classification & Assertion Criteria_Updated V.1. Collection method: research. Allele origin: unknown. Inheritance: Autosomal dominant inheritance.
Comment: Potent mutations in HNF4A are associated with poor insulin secretion in response to hyperglycemia. Associated with MODY1. Patients initially respond well to sulfonylureas but eventually become insulin dependent. However, more evidence is required to ascertain the role of this particular variant rs112444447 in MODY, yet.

Literature cited by the submitters: DOI 10.1159/000334532 (cited by Clinical Genomics, Uppaluri K&H Personalized Medicine Clinic); PubMed 18268044 (cited by Clinical Genomics, Uppaluri K&H Personalized Medicine Clinic); PubMed 17563455 (cited by Clinical Genomics, Uppaluri K&H Personalized Medicine Clinic); PubMed 32583173 (cited by Clinical Genomics, Uppaluri K&H Personalized Medicine Clinic); PubMed 35052457 (cited by Clinical Genomics, Uppaluri K&H Personalized Medicine Clinic); PubMed 35118593 (cited by Clinical Genomics, Uppaluri K&H Personalized Medicine Clinic).